The following is an entry in ClinVar:

ClinVar aggregate classification (germline): Uncertain significance (1 of 4 stars; one submission).

Conditions:
Developmental and epileptic encephalopathy, 85, with or without midline brain defects. Also called: EPILEPTIC ENCEPHALOPATHY, EARLY INFANTILE, 85, WITH OR WITHOUT MIDLINE BRAIN DEFECTS. Identifiers: MedGen C5393312, MONDO:0026771, OMIM 301044.

Submission:

Victorian Clinical Genetics Services, Murdoch Childrens Research Institute
Classification: Uncertain significance for Developmental and epileptic encephalopathy, 85, with or without midline brain defects. Last evaluated: 2022-02-02. Review status: criteria provided, single submitter. Criteria: ACMG Guidelines, 2015. Collection method: clinical testing. Allele origin: germline. Inheritance: X-linked dominant inheritance.
Comment: Based on the classification scheme VCGS_Germline_v1.3.4, this variant is classified as VUS-3C. Following criteria are met: 0102 - Loss of function is a known mechanism of disease in this gene and is associated with Cornelia de Lange syndrome 2 (MIM#300590), and developmental and epileptic encephalopathy 85, with or without midline brain defects (MIM#301044) relating to protein truncating variants (PMID: 26752331, 28166369). Additionally, dominant negative has been suggested as a mechanism of disease for missense variants (PMID: 17273969, 19701948). (I) 0110 - This gene is associated with X-linked dominant disease. (I) 0200 - Variant is predicted to result in a missense amino acid change from lysine to arginine. (I) 0251 - This variant is heterozygous. (I) 0301 - Variant is absent from gnomAD (both v2 and v3). (SP) 0503 - Missense variant consistently predicted to be tolerated by multiple in silico tools or not conserved in placental mammals with a minor amino acid change. (SB) 0600 - Variant is located in the annotated RecF/RecN/SMC N terminal domain (Decipher). (I) 0705 - No comparable missense variants have previous evidence for pathogenicity. (I) 0807 - This variant has no previous evidence of pathogenicity. (I) 0905 - No published segregation evidence has been identified for this variant. (I) 1007 - No published functional evidence has been identified for this variant. (I) 1208 - Inheritance information for this variant is not currently available in this individual. (I) Legend: (SP) - Supporting pathogenic, (I) - Information, (SB) - Supporting benign

Literature cited by the submitters: PubMed 17273969; PubMed 19701948; PubMed 26752331; PubMed 28166369.

NM_006306.4(SMC1A):c.1118A>G (p.Lys373Arg)

Gene: SMC1A (structural maintenance of chromosomes 1A; minus strand). Cytogenetic location: Xp11.22.
Variant type: single nucleotide variant.
Coding change: c.1118A>G on transcript NM_006306.4 (MANE Select); coding-DNA position 1118, A replaced by G.
Protein change: p.Lys373Arg; replaces lysine 373 with arginine.
Molecular consequence: missense variant.
Genome position (GRCh38, 1-based): chrX:53,411,897, T>C on the plus strand (A>G on the coding strand, the complement: SMC1A is on the minus strand). VCF-style: chrX-53411897-T-C. GRCh37 (hg19) VCF-style: chrX-53438847-T-C.
Other names: c.1052A>G, p.Lys351Arg (NM_001281463.1); short protein forms K351R, K373R.
Identifiers: ClinVar variation 1699303 (VCV001699303.3), dbSNP rs2146604633, ClinGen allele CA413256947.
Genomic context (GRCh38, chrX:53,411,897, plus strand): 5'-AGCTCCTGGGCCAGGGTAGCTGCTCTCTTGCTGGCTTCTTCTTTCAACCGGTGGTATTTC[T>C]TCACCTGTGTTAGGGACAGGGAAGGAGAACAGGGATGACCAAGTCAGCAGATGTCAGCCC-3'
Protein context (NP_006297.2, residues 363-383): RDLTLEENQV[Lys373Arg]KYHRLKEEAS